The following is an entry in ClinVar:

NM_153704.6(TMEM67):c.882T>C (p.Leu294=)

Gene: TMEM67 (transmembrane protein 67; plus strand). Cytogenetic location: 8q22.1.
Variant type: single nucleotide variant.
Coding change: c.882T>C on transcript NM_153704.6 (MANE Select); coding-DNA position 882, T replaced by C.
Protein change: p.Leu294=; no amino-acid change (leucine 294 retained).
Molecular consequence: synonymous variant. On other transcripts: non-coding transcript variant (1).
Genome position (GRCh38, 1-based): chr8:93,780,886, T>C. VCF-style: chr8-93780886-T-C. GRCh37 (hg19) VCF-style: chr8-94793114-T-C.
Other names: c.882T>C (NM_153704.5); c.639T>C, p.Leu213= (NM_001142301.1).
Identifiers: ClinVar variation 1083447 (VCV001083447.11), dbSNP rs200110207, ClinGen allele CA4807808.

ClinVar aggregate classification (germline): Likely benign. Review status: criteria provided, multiple submitters, no conflicts (2 of 4 stars). 3 submissions from 3 submitters: Likely benign (3). Last evaluated 2026-01-06.

Conditions:
TMEM67-related disorder. Also called: TMEM67-related disorders; TMEM67-related condition. Identifiers: MedGen CN239423.
Meckel-Gruber syndrome. Also called: Dysencephalia splachnocystica; DYSENCEPHALIA SPLANCHNOCYSTICA; GRUBER SYNDROME. Identifiers: Orphanet 564, MedGen C0265215, MONDO:0018921.
Joubert syndrome. Also called: JOUBERT-BOLTSHAUSER SYNDROME; Familial aplasia of the vermis. Identifiers: Orphanet 475, MedGen C5979921, MONDO:0018772.
Meckel syndrome, type 3 (MKS3). Also called: MECKEL-GRUBER SYNDROME, TYPE 3. Identifiers: Orphanet 564, MedGen C1846357, MONDO:0011821, OMIM 607361.
Joubert syndrome 6 (JBTS6). Identifiers: Orphanet 475, MedGen C1853153, MONDO:0012539, OMIM 610688.
Nephronophthisis 11 (NPHP11). Identifiers: Orphanet 84081, MedGen C3150796, MONDO:0013302, OMIM 613550.
Bardet-Biedl syndrome 14 (BBS14). Identifiers: Orphanet 110, MedGen C2673874, MONDO:0014442, OMIM 615991.
RHYNS syndrome. Also called: RETINITIS PIGMENTOSA SYNDROME; RETINITIS PIGMENTOSA, HYPOPITUITARISM, NEPHRONOPHTHISIS, AND MILD SKELETAL DYSPLASIA. Identifiers: Orphanet 140976, MedGen C1865794, MONDO:0011202, OMIM 602152.
COACH syndrome 1. Identifiers: Orphanet 1454, MedGen C5435651, MONDO:0800103, OMIM 216360, MONDO:0008996.

Allele frequency attached by ClinVar (database versions not stated): 1000 Genomes Project 30x 0.00016; 1000 Genomes Project 0.00020; gnomAD 0.00001; TOPMed 0.00001; gnomAD exomes 0.00002 and 0.00004; ExAC 0.00003.
gnomAD v4.1: 11 of 1,611,706 alleles (0.00068%); highest among the groups gnomAD compares: Admixed American, 0.018%; no homozygotes.

Submissions (3):

Labcorp Genetics (formerly Invitae), Labcorp
Classification: Likely benign for Joubert syndrome; Meckel-Gruber syndrome. Last evaluated: 2026-01-06. Review status: criteria provided, single submitter. Criteria: Invitae Variant Classification Sherloc (09022015). Collection method: clinical testing. Allele origin: germline.

PreventionGenetics, part of Exact Sciences
Classification: Likely benign for TMEM67-related condition. Last evaluated: 2024-11-12. Review status: criteria provided, single submitter. Criteria: ACMG Guidelines, 2015. Collection method: clinical testing. Allele origin: germline.
Comment: This variant is classified as likely benign based on ACMG/AMP sequence variant interpretation guidelines (Richards et al. 2015 PMID: 25741868, with internal and published modifications).

Fulgent Genetics
Classification: Likely benign for COACH syndrome 1; RHYNS syndrome; Meckel syndrome, type 3; Joubert syndrome 6; Nephronophthisis 11; Bardet-Biedl syndrome 14. Last evaluated: 2022-05-17. Review status: criteria provided, single submitter. Criteria: ACMG Guidelines, 2015. Collection method: clinical testing. Allele origin: unknown.